The following is an entry in ClinVar:

NM_001013838.3(CARMIL2):c.1554C>G (p.Asp518Glu)

Gene: CARMIL2 (capping protein regulator and myosin 1 linker 2; plus strand). Cytogenetic location: 16q22.1.
Variant type: single nucleotide variant.
Coding change: c.1554C>G on transcript NM_001013838.3 (MANE Select); coding-DNA position 1554, C replaced by G.
Protein change: p.Asp518Glu; replaces aspartic acid 518 with glutamic acid.
Molecular consequence: missense variant.
Genome position (GRCh38, 1-based): chr16:67,648,937, C>G. VCF-style: chr16-67648937-C-G. GRCh37 (hg19) VCF-style: chr16-67682840-C-G.
Other names: c.1446C>G, p.Asp482Glu (NM_001317026.3); c.1554C>G (NM_001013838.1); short protein forms D482E, D518E.
Identifiers: ClinVar variation 1581961 (VCV001581961.14), dbSNP rs200219135, ClinGen allele CA8113484.

ClinVar aggregate classification (germline): Conflicting classifications of pathogenicity. Review status: criteria provided, conflicting classifications (1 of 4 stars). 5 submissions from 5 submitters: Uncertain significance (3); Likely benign (2). Last evaluated 2026-02-07.

Conditions:
Severe combined immunodeficiency due to CARMIL2 deficiency. Also called: IMMUNODEFICIENCY 58. Identifiers: Orphanet 542301, MedGen C4748304, MONDO:0029134, OMIM 618131.

Allele frequency attached by ClinVar (database versions not stated): 1000 Genomes Project 30x 0.00016; 1000 Genomes Project 0.00020.
gnomAD v4.1: 125 of 1,609,800 alleles (0.0078%); highest among the groups gnomAD compares: Admixed American, 0.21%; no homozygotes.

Submissions (5):

GeneDx
Classification: Uncertain significance. Last evaluated: 2026-02-07. Review status: criteria provided, single submitter. Criteria: GeneDx Variant Classification Process June 2021. Collection method: clinical testing. Allele origin: germline.
Comment: In silico analysis suggests that this missense variant does not alter protein structure/function; Has not been previously published as pathogenic or benign to our knowledge

Labcorp Genetics (formerly Invitae), Labcorp
Classification: Likely benign. Last evaluated: 2026-01-06. Review status: criteria provided, single submitter. Criteria: Invitae Variant Classification Sherloc (09022015). Collection method: clinical testing. Allele origin: germline.

Blueprint Genetics
Classification: Uncertain significance. Last evaluated: 2022-07-18. Review status: criteria provided, single submitter. Criteria: ACMG Guidelines, 2015. Collection method: clinical testing. Allele origin: germline.

Fulgent Genetics
Classification: Likely benign for Severe combined immunodeficiency due to CARMIL2 deficiency. Last evaluated: 2021-11-16. Review status: criteria provided, single submitter. Criteria: ACMG Guidelines, 2015. Collection method: clinical testing. Allele origin: unknown.

Revvity Omics, Revvity
Classification: Uncertain significance for Severe combined immunodeficiency due to CARMIL2 deficiency. Last evaluated: 2020-04-03. Review status: criteria provided, single submitter. Criteria: ACMG Guidelines, 2015. Collection method: clinical testing. Allele origin: germline.